The following is an entry in ClinVar:

ClinVar aggregate classification (germline): Uncertain significance. Review status: criteria provided, multiple submitters, no conflicts (2 of 4 stars). 3 submissions from 3 submitters: Uncertain significance (3). Last evaluated 2025-09-23.

Conditions:
Lethal multiple pterygium syndrome (LMPS). Identifiers: Orphanet 33108, MedGen C1854678, MONDO:0009668, OMIM 253290.

Allele frequency attached by ClinVar (database versions not stated): ExAC 0.00001; gnomAD 0.00001 and 0.00002; gnomAD exomes 0.00001.
gnomAD v4.1: 28 of 1,613,358 alleles (0.0017%); highest among the groups gnomAD compares: African/African-American, 0.0027%; no homozygotes.

Submissions (3):

Women's Health and Genetics/Laboratory Corporation of America, LabCorp
Classification: Uncertain significance. Last evaluated: 2025-09-23. Review status: criteria provided, single submitter. Criteria: LabCorp Variant Classification Summary - May 2015. Collection method: clinical testing. Allele origin: germline.
Comment: Variant summary: CHRNA1 c.841G>A (p.Val281Met) results in a conservative amino acid change in the encoded protein sequence. Algorithms developed to predict the effect of missense changes on protein structure and function are either unavailable or do not agree on the potential impact of this missense change. The variant allele was found at a frequency of 8e-06 in 251368 control chromosomes. The available data on variant occurrences in the general population are insufficient to allow any conclusion about variant significance. To our knowledge, no occurrence of c.841G>A in individuals affected with CHRNA1-related conditions and no experimental evidence demonstrating its impact on protein function have been reported. ClinVar contains an entry for this variant (Variation ID: 1057318). Based on the evidence outlined above, the variant was classified as uncertain significance.

Labcorp Genetics (formerly Invitae), Labcorp
Classification: Uncertain significance for Lethal multiple pterygium syndrome. Last evaluated: 2023-01-15. Review status: criteria provided, single submitter. Criteria: Invitae Variant Classification Sherloc (09022015). Collection method: clinical testing. Allele origin: germline.
Comment: In summary, the available evidence is currently insufficient to determine the role of this variant in disease. Therefore, it has been classified as a Variant of Uncertain Significance. Advanced modeling of protein sequence and biophysical properties (such as structural, functional, and spatial information, amino acid conservation, physicochemical variation, residue mobility, and thermodynamic stability) performed at Invitae indicates that this missense variant is not expected to disrupt CHRNA1 protein function. ClinVar contains an entry for this variant (Variation ID: 1057318). This variant is present in population databases (rs764265345, gnomAD 0.002%). This variant has not been reported in the literature in individuals affected with CHRNA1-related conditions. This sequence change replaces valine, which is neutral and non-polar, with methionine, which is neutral and non-polar, at codon 281 of the CHRNA1 protein (p.Val281Met).

Revvity Omics, Revvity
Classification: Uncertain significance. Last evaluated: 2019-09-11. Review status: criteria provided, single submitter. Criteria: ACMG Guidelines, 2015. Collection method: clinical testing. Allele origin: germline.

NM_000079.4(CHRNA1):c.841G>A (p.Val281Met)

Gene: CHRNA1 (cholinergic receptor nicotinic alpha 1 subunit; minus strand). Cytogenetic location: 2q31.1.
Variant type: single nucleotide variant.
Coding change: c.841G>A on transcript NM_000079.4 (MANE Select); coding-DNA position 841, G replaced by A.
Protein change: p.Val281Met; replaces valine 281 with methionine.
Molecular consequence: missense variant.
Genome position (GRCh38, 1-based): chr2:174,750,107, C>T on the plus strand (G>A on the coding strand, the complement: CHRNA1 is on the minus strand). VCF-style: chr2-174750107-C-T. GRCh37 (hg19) VCF-style: chr2-175614835-C-T.
Other names: c.841G>A (NM_000079.3); c.916G>A, p.Val306Met (NM_001039523.3); short protein forms V281M, V306M.
Identifiers: ClinVar variation 1057318 (VCV001057318.12), dbSNP rs764265345, ClinGen allele CA1974436.
Genomic context (GRCh38, chr2:174,750,107, plus strand): 5'-TGAACAGCATGTATTTTCCAATCAAGGGCACAGCACTGGACGTGGAGGGGATCAGCTCCA[C>T]GATGACCAGAAGGAACACAGTCAAAGACAGTAAGACAGAGATGCTCAGAGTCATCTTCTC-3'
Protein context (NP_000070.1, residues 271-291): LSLTVFLLVI[Val281Met]ELIPSTSSAV